The following is an entry in ClinVar:

ClinVar aggregate classification (germline): Uncertain significance (1 of 4 stars; one submission).

Submission:

GeneDx
Classification: Uncertain significance. Last evaluated: 2024-10-08. Review status: criteria provided, single submitter. Criteria: GeneDx Variant Classification Process June 2021. Collection method: clinical testing. Allele origin: germline. Affected: yes.
Comment: Not observed at significant frequency in large population cohorts (gnomAD); In silico analysis indicates that this missense variant does not alter protein structure/function; Has not been previously published as pathogenic or benign to our knowledge

NM_001904.4(CTNNB1):c.1480G>C (p.Val494Leu)

Genes: CTNNB1 (catenin beta 1; plus strand), LOC126806659 (BRD4-independent group 4 enhancer GRCh37_chr3:41274918-41276117; plus strand). Cytogenetic location: 3p22.1.
Variant type: single nucleotide variant.
Coding change: c.1480G>C on transcript NM_001904.4 (MANE Select); coding-DNA position 1480, G replaced by C.
Protein change: p.Val494Leu; replaces valine 494 with leucine.
Molecular consequence: missense variant.
Genome position (GRCh38, 1-based): chr3:41,233,823, G>C. VCF-style: chr3-41233823-G-C. GRCh37 (hg19) VCF-style: chr3-41275314-G-C.
Other names: c.1480G>C, p.Val494Leu (NM_001098209.2, NM_001098210.2); c.1459G>C, p.Val487Leu (NM_001330729.2); short protein forms V487L, V494L.
Identifiers: ClinVar variation 3777524 (VCV003777524.1).